The following is an entry in ClinVar:

NM_000090.4(COL3A1):c.3124G>A (p.Ala1042Thr)

Gene: COL3A1 (collagen type III alpha 1 chain; plus strand). Cytogenetic location: 2q32.2.
Variant type: single nucleotide variant.
Coding change: c.3124G>A on transcript NM_000090.4 (MANE Select); coding-DNA position 3124, G replaced by A.
Protein change: p.Ala1042Thr; replaces alanine 1042 with threonine.
Molecular consequence: missense variant.
Genome position (GRCh38, 1-based): chr2:189,006,375, G>A. VCF-style: chr2-189006375-G-A. GRCh37 (hg19) VCF-style: chr2-189871101-G-A.
Other names: short protein forms A1042T.
Identifiers: ClinVar variation 1331024 (VCV001331024.7), dbSNP rs2153503724, ClinGen allele CA349845067.

ClinVar aggregate classification (germline): Uncertain significance (1 of 4 stars; one submission).

Submission:

ARUP Laboratories, Molecular Genetics and Genomics, ARUP Laboratories
Classification: Uncertain significance. Last evaluated: 2021-02-17. Review status: criteria provided, single submitter. Criteria: ARUP Molecular Germline Variant Investigation Process 2021. Collection method: clinical testing. Allele origin: germline.
Comment: The COL3A1 p.Ala1042Thr variant, to our knowledge, has not been reported in the medical literature or gene specific databases. This variant is also absent from general population databases (1000 Genomes Project, Exome Variant Server, and Genome Aggregation Database), indicating it is not a common polymorphism. The alanine at codon 1042 is moderately conserved, and computational analyses are uncertain whether this variant is neutral or deleterious (REVEL: 0.266). Based on the available information, the clinical significance of this variant is uncertain.